The following is an entry in ClinVar:

NM_001165963.4(SCN1A):c.4002+2051G>C

Genes: SCN1A (sodium voltage-gated channel alpha subunit 1; minus strand), LOC102724058 (uncharacterized LOC102724058; plus strand). Cytogenetic location: 2q24.3.
Variant type: single nucleotide variant.
Coding change: c.4002+2051G>C on transcript NM_001165963.4 (MANE Select); 2051 bases into the intron after coding-DNA position 4002, G replaced by C.
Molecular consequence: intron variant.
Genome position (GRCh38, 1-based): chr2:166,007,668, C>G on the plus strand (G>C on the coding strand, the complement: SCN1A is on the minus strand). VCF-style: chr2-166007668-C-G. GRCh37 (hg19) VCF-style: chr2-166864178-C-G.
Other names: c.3969+2051G>C (NM_001353949.2, NM_001353950.2, NM_001353951.2 and 2 more transcripts); c.3918+2051G>C (NM_001353958.2, NM_001353957.2, NM_001165964.3); c.4002+2051G>C (NM_001202435.3, NM_001353948.2); c.3966+2051G>C (NM_001353955.2, NM_001353954.2); c.3915+2051G>C (NM_001353960.2); c.1560+2051G>C (NM_001353961.2).
Identifiers: ClinVar variation 2091460 (VCV002091460.4), dbSNP rs1164840529, ClinGen allele CA760220931.
Genomic context (GRCh38, chr2:166,007,668, plus strand): 5'-ACATGCAAAACACAAAGTGCAACGTGATGATAATTTATTTGTTACTTTCTAACTTCTTAT[C>G]AAGCACTGTACAACATGCTTTATTCAGTAATGTTGCATAAAAGCACATGCTTTGAAAAAA-3'

ClinVar aggregate classification (germline): Uncertain significance (1 of 4 stars; one submission).

Conditions:
Early-infantile DEE. Also called: Ohtahara syndrome; Early infantile epileptic encephalopathy with suppression bursts; Early infantile epileptic encephalopathy. Identifiers: Orphanet 1934, MedGen C0393706, MONDO:0800491.

Allele frequency attached by ClinVar (database versions not stated): TOPMed 0.00001.

Submission:

Labcorp Genetics (formerly Invitae), Labcorp
Classification: Uncertain significance for Early-infantile DEE. Last evaluated: 2024-05-15. Review status: criteria provided, single submitter. Criteria: Invitae Variant Classification Sherloc (09022015). Collection method: clinical testing. Allele origin: germline.
Comment: This sequence change falls in intron 20 of the SCN1A gene. It does not directly change the encoded amino acid sequence of the SCN1A protein. However, this sequence change falls within a region encompassing a cryptic exon in the SCN1A gene, in which variants have been shown to alter splicing (PMID: 30526861, 34107977). This variant is not present in population databases (gnomAD no frequency). This variant has not been reported in the literature in individuals affected with SCN1A-related conditions. ClinVar contains an entry for this variant (Variation ID: 2091460). Algorithms developed to predict the effect of sequence changes on RNA splicing suggest that this variant is not likely to affect RNA splicing. In summary, the available evidence is currently insufficient to determine the role of this variant in disease. Therefore, it has been classified as a Variant of Uncertain Significance.

Literature cited by the submitters: PubMed 30526861; PubMed 34107977.